The following is an entry in ClinVar:

ClinVar aggregate classification (germline): Uncertain significance. Review status: criteria provided, multiple submitters, no conflicts (2 of 4 stars). 3 submissions from 3 submitters: Uncertain significance (3). Last evaluated 2024-09-21.

Conditions:
Severe early-onset pulmonary alveolar proteinosis due to MARS deficiency. Also called: PULMONARY ALVEOLAR PROTEINOSIS, REUNION ISLAND; Interstitial lung and liver disease. Identifiers: Orphanet 440427, MedGen C4225400, MONDO:0014206, OMIM 615486.
Charcot-Marie-Tooth disease axonal type 2U. Also called: CHARCOT-MARIE-TOOTH NEUROPATHY, TYPE 2U; CHARCOT-MARIE-TOOTH DISEASE, AXONAL, AUTOSOMAL DOMINANT, TYPE 2U. Identifiers: Orphanet 397735, MedGen C4084821, MONDO:0014566, OMIM 616280.

Allele frequency attached by ClinVar (database versions not stated): ExAC 0.00002; gnomAD exomes 0.00002 and 0.00005; TOPMed 0.00004; gnomAD 0.00005.

Submissions (3):

Labcorp Genetics (formerly Invitae), Labcorp
Classification: Uncertain significance for Charcot-Marie-Tooth disease axonal type 2U; Severe early-onset pulmonary alveolar proteinosis due to MARS deficiency. Last evaluated: 2024-09-21. Review status: criteria provided, single submitter. Criteria: Invitae Variant Classification Sherloc (09022015). Collection method: clinical testing. Allele origin: germline.
Comment: This sequence change falls in intron 9 of the MARS gene. It does not directly change the encoded amino acid sequence of the MARS protein. It affects a nucleotide within the consensus splice site. This variant is present in population databases (rs754216322, gnomAD 0.004%). This variant has not been reported in the literature in individuals affected with MARS-related conditions. ClinVar contains an entry for this variant (Variation ID: 430002). Variants that disrupt the consensus splice site are a relatively common cause of aberrant splicing (PMID: 17576681, 9536098). Algorithms developed to predict the effect of sequence changes on RNA splicing suggest that this variant may disrupt the consensus splice site. In summary, the available evidence is currently insufficient to determine the role of this variant in disease. Therefore, it has been classified as a Variant of Uncertain Significance.

Mayo Clinic Laboratories, Mayo Clinic
Classification: Uncertain significance. Last evaluated: 2023-03-29. Review status: criteria provided, single submitter. Criteria: ACMG Guidelines, 2015. Collection method: clinical testing. Allele origin: germline. Observed: 1 variant allele.

GeneDx
Classification: Uncertain significance. Last evaluated: 2020-06-23. Review status: criteria provided, single submitter. Criteria: GeneDx Variant Classification Process June 2021. Collection method: clinical testing. Allele origin: germline. Affected: yes.
Comment: Duplication affects the intronic +5 splice site variant in a gene for which loss-of-function is a known mechanism of disease, and both splice predictors and evolutionary conservation support a deleterious effect, although in the absence of functional evidence the actual effect of this sequence change is unknown.; Has not been previously published as pathogenic or benign to our knowledge

Literature cited by the submitters: PubMed 17576681 (cited by Labcorp Genetics (formerly Invitae), Labcorp); PubMed 9536098 (cited by Labcorp Genetics (formerly Invitae), Labcorp).

NM_004990.4(MARS1):c.1091+2dup

Gene: MARS1 (methionyl-tRNA synthetase 1; plus strand). Cytogenetic location: 12q13.3.
Variant type: Duplication.
Coding change: c.1091+2dup on transcript NM_004990.4 (MANE Select); the canonical splice donor site of the intron after coding-DNA position 1091, one base duplicated (T; older notation c.1091+2dupT).
Molecular consequence: splice donor variant.
Genome position (GRCh38, 1-based): chr12:57,498,625, T duplicated. VCF-style (leftmost placement, unchanged base first): chr12-57498624-G-GT. GRCh37 (hg19) VCF-style: chr12-57892407-G-GT.
Other names: c.1091+2dupT (NM_004990.3).
Identifiers: ClinVar variation 430002 (VCV000430002.14), dbSNP rs754216322, ClinGen allele CA6650399.